The following is an entry in ClinVar:

NM_001165963.4(SCN1A):c.1028+6T>C

Gene: SCN1A (sodium voltage-gated channel alpha subunit 1; minus strand). Cytogenetic location: 2q24.3.
Variant type: single nucleotide variant.
Coding change: c.1028+6T>C on transcript NM_001165963.4 (MANE Select); 6 bases into the intron after coding-DNA position 1028, T replaced by C.
Molecular consequence: intron variant.
Genome position (GRCh38, 1-based): chr2:166,048,880, A>G on the plus strand (T>C on the coding strand, the complement: SCN1A is on the minus strand). VCF-style: chr2-166048880-A-G. GRCh37 (hg19) VCF-style: chr2-166905390-A-G.
Other names: c.1028+6T>C (NM_001353949.2, NM_001353958.2, NM_001353950.2 and 10 more transcripts); c.-1398+6T>C (NM_001353961.2).
Identifiers: ClinVar variation 1011958 (VCV001011958.7), dbSNP rs1277925945, ClinGen allele CA537138221.
Genomic context (GRCh38, chr2:166,048,880, plus strand): 5'-AGAAAAGATACACATATGTATGTGTACATACAAATATACACAGATACACACAAATTATTG[A>G]CTTACCCTGCATCAGAGCTATTTCCACATAGTAGTGCATCTAAAAAACCCTCCAGGAAAT-3'

ClinVar aggregate classification (germline): Uncertain significance (1 of 4 stars; one submission).

Conditions:
Early-infantile DEE. Also called: Ohtahara syndrome; Early infantile epileptic encephalopathy with suppression bursts; Early infantile epileptic encephalopathy. Identifiers: Orphanet 1934, MedGen C0393706, MONDO:0800491.

Allele frequency attached by ClinVar (database versions not stated): gnomAD exomes below 0.00001 and 0.00001; TOPMed 0.00001.
gnomAD v4.1: 9 of 1,569,838 alleles (0.00057%); highest among the groups gnomAD compares: Non-Finnish European, 0.00079%; no homozygotes.

Submission:

Labcorp Genetics (formerly Invitae), Labcorp
Classification: Uncertain significance for Early-infantile DEE. Last evaluated: 2025-05-02. Review status: criteria provided, single submitter. Criteria: Invitae Variant Classification Sherloc (09022015). Collection method: clinical testing. Allele origin: germline.
Comment: This sequence change falls in intron 7 of the SCN1A gene. It does not directly change the encoded amino acid sequence of the SCN1A protein. It affects a nucleotide within the consensus splice site. This variant is present in population databases (no rsID available, gnomAD 0.0009%). This variant has not been reported in the literature in individuals affected with SCN1A-related conditions. ClinVar contains an entry for this variant (Variation ID: 1011958). Variants that disrupt the consensus splice site are a relatively common cause of aberrant splicing (PMID: 17576681, 9536098). Algorithms developed to predict the effect of sequence changes on RNA splicing suggest that this variant is not likely to affect RNA splicing. In summary, the available evidence is currently insufficient to determine the role of this variant in disease. Therefore, it has been classified as a Variant of Uncertain Significance.

Literature cited by the submitters: PubMed 17576681; PubMed 9536098.